The following is an entry in ClinVar:

ClinVar aggregate classification (germline): Uncertain significance. Review status: criteria provided, multiple submitters, no conflicts (2 of 4 stars). 2 submissions from 2 submitters: Uncertain significance (2). Last evaluated 2024-02-19.

Conditions:
Joubert syndrome 8 (JBTS8). Identifiers: Orphanet 475, MedGen C2676771, MONDO:0012855, OMIM 612291.

Allele frequency attached by ClinVar (database versions not stated): TOPMed below 0.00001; gnomAD exomes 0.00001; ExAC 0.00002.
gnomAD v4.1: 18 of 1,613,742 alleles (0.0011%); highest among the groups gnomAD compares: Middle Eastern, 0.033%; no homozygotes.

Submissions (2):

Fulgent Genetics
Classification: Uncertain significance for Joubert syndrome 8. Last evaluated: 2024-02-19. Review status: criteria provided, single submitter. Criteria: ACMG Guidelines, 2015. Collection method: clinical testing. Allele origin: germline.

Labcorp Genetics (formerly Invitae), Labcorp
Classification: Uncertain significance for Joubert syndrome 8. Last evaluated: 2023-07-03. Review status: criteria provided, single submitter. Criteria: Invitae Variant Classification Sherloc (09022015). Collection method: clinical testing. Allele origin: germline.
Comment: In summary, the available evidence is currently insufficient to determine the role of this variant in disease. Therefore, it has been classified as a Variant of Uncertain Significance. Algorithms developed to predict the effect of sequence changes on RNA splicing suggest that this variant may create or strengthen a splice site. Advanced modeling of protein sequence and biophysical properties (such as structural, functional, and spatial information, amino acid conservation, physicochemical variation, residue mobility, and thermodynamic stability) performed at Invitae indicates that this missense variant is not expected to disrupt ARL13B protein function. ClinVar contains an entry for this variant (Variation ID: 2159757). This variant has not been reported in the literature in individuals affected with ARL13B-related conditions. This variant is present in population databases (rs765833452, gnomAD 0.006%). This sequence change replaces valine, which is neutral and non-polar, with leucine, which is neutral and non-polar, at codon 96 of the ARL13B protein (p.Val96Leu).

NM_001174150.2(ARL13B):c.286G>T (p.Val96Leu)

Gene: ARL13B (ARF like GTPase 13B; plus strand). Cytogenetic location: 3q11.2.
Variant type: single nucleotide variant.
Coding change: c.286G>T on transcript NM_001174150.2 (MANE Select); coding-DNA position 286, G replaced by T.
Protein change: p.Val96Leu; replaces valine 96 with leucine.
Molecular consequence: missense variant. On other transcripts: 5 prime UTR variant (1), intron variant (1).
Genome position (GRCh38, 1-based): chr3:94,003,814, G>T. VCF-style: chr3-94003814-G-T. GRCh37 (hg19) VCF-style: chr3-93722658-G-T.
Other names: c.-24G>T (NM_001174151.2); c.241G>T, p.Val81Leu (NM_001321328.2); c.286G>T, p.Val96Leu (NM_001410782.1, NM_182896.3); c.59+23332G>T (NM_144996.4); short protein forms V96L, V81L.
Identifiers: ClinVar variation 2159757 (VCV002159757.4), dbSNP rs765833452, ClinGen allele CA2503820.